The following is an entry in ClinVar:

NM_014500.5(HTATSF1):c.1014T>A (p.Gly338=)

Gene: HTATSF1 (HIV-1 Tat specific factor 1; plus strand). Cytogenetic location: Xq26.3.
Variant type: single nucleotide variant.
Coding change: c.1014T>A on transcript NM_014500.5 (MANE Select); coding-DNA position 1014, T replaced by A.
Protein change: p.Gly338=; no amino-acid change (glycine 338 retained).
Molecular consequence: synonymous variant.
Genome position (GRCh38, 1-based): chrX:136,510,171, T>A. VCF-style: chrX-136510171-T-A. GRCh37 (hg19) VCF-style: chrX-135592330-T-A.
Other names: c.1014T>A, p.Gly338= (NM_001163280.2).
Identifiers: ClinVar variation 2661521 (VCV002661521.24), dbSNP rs376225777, ClinGen allele CA10527732.
Genomic context (GRCh38, chrX:136,510,171, plus strand): 5'-CTTTCGGGATCCAGAGGAAGCTGATTATTGTATTCAGACTCTCGATGGAAGATGGTTTGG[T>A]GGCCGTCAAATCACTGCCCAGGCATGGGATGGGACTACAGATTATCAGGTAAATTTTGCT-3'
Protein context (NP_055315.2, residues 328-348): CIQTLDGRWF[Gly338=]GRQITAQAWD

ClinVar aggregate classification (germline): Likely benign (1 of 4 stars; one submission).

Allele frequency attached by ClinVar (database versions not stated): gnomAD 0.00023; TOPMed 0.00023; ExAC 0.00028; gnomAD exomes 0.00033; ESP Exome Variant Server 0.00038.
gnomAD v4.1: 378 of 1,209,645 alleles (0.031%); highest among the groups gnomAD compares: Non-Finnish European, 0.04%; no homozygotes.

Submission:

CeGaT Center for Human Genetics Tuebingen
Classification: Likely benign. Last evaluated: 2023-04-01. Review status: criteria provided, single submitter. Criteria: CeGaT Center For Human Genetics Tuebingen Variant Classification Criteria Version 2. Collection method: clinical testing. Allele origin: germline. Affected: yes. Observed: 1 variant allele.
Comment: HTATSF1: BP4, BP7, BS2